The following is an entry in ClinVar:

ClinVar aggregate classification (germline): Uncertain significance (1 of 4 stars; one submission).

Conditions:
Hereditary cancer-predisposing syndrome. Also called: Hereditary Cancer Syndrome; Neoplastic Syndromes, Hereditary; Tumor predisposition; Hereditary neoplastic syndrome. Identifiers: Orphanet 140162, MedGen C0027672, MeSH D009386, MONDO:0015356.

Submission:

Ambry Genetics
Classification: Uncertain significance for Hereditary cancer-predisposing syndrome. Last evaluated: 2021-12-21. Review status: criteria provided, single submitter. Criteria: Ambry Variant Classification Scheme 2023. Collection method: clinical testing. Allele origin: germline.
Comment: The p.T397A variant (also known as c.1189A>G), located in coding exon 8 of the MSH3 gene, results from an A to G substitution at nucleotide position 1189. The threonine at codon 397 is replaced by alanine, an amino acid with similar properties. This amino acid position is conserved. In addition, this alteration is predicted to be deleterious by in silico analysis. Since supporting evidence is limited at this time, the clinical significance of this alteration remains unclear.

NM_002439.5(MSH3):c.1189A>G (p.Thr397Ala)

Gene: MSH3 (mutS homolog 3; plus strand). Cytogenetic location: 5q14.1.
Variant type: single nucleotide variant.
Coding change: c.1189A>G on transcript NM_002439.5 (MANE Select); coding-DNA position 1189, A replaced by G.
Protein change: p.Thr397Ala; replaces threonine 397 with alanine.
Molecular consequence: missense variant.
Genome position (GRCh38, 1-based): chr5:80,678,942, A>G. VCF-style: chr5-80678942-A-G. GRCh37 (hg19) VCF-style: chr5-79974761-A-G.
Other names: short protein forms T397A.
Identifiers: ClinVar variation 1744233 (VCV001744233.2), dbSNP rs2546726541, ClinGen allele CA360268844.